The following is an entry in ClinVar:

NM_000553.6(WRN):c.166A>G (p.Ser56Gly)

Gene: WRN (WRN RecQ like helicase; plus strand). Cytogenetic location: 8p12.
Variant type: single nucleotide variant.
Coding change: c.166A>G on transcript NM_000553.6 (MANE Select); coding-DNA position 166, A replaced by G.
Protein change: p.Ser56Gly; replaces serine 56 with glycine.
Molecular consequence: missense variant.
Genome position (GRCh38, 1-based): chr8:31,059,222, A>G. VCF-style: chr8-31059222-A-G. GRCh37 (hg19) VCF-style: chr8-30916738-A-G.
Other names: short protein forms S56G.
Identifiers: ClinVar variation 2037912 (VCV002037912.3), dbSNP rs925324252, ClinGen allele CA174839389.

ClinVar aggregate classification (germline): Uncertain significance (1 of 4 stars; one submission).

Conditions:
Werner syndrome (WRN). Identifiers: Orphanet 902, MedGen C0043119, MONDO:0010196, OMIM 277700.

Allele frequency attached by ClinVar (database versions not stated): gnomAD 0.00001; TOPMed 0.00002.
gnomAD v4.1: 2 of 1,613,764 alleles (0.00012%); highest among the groups gnomAD compares: African/African-American, 0.0027%; no homozygotes.

Submission:

Labcorp Genetics (formerly Invitae), Labcorp
Classification: Uncertain significance for Werner syndrome. Last evaluated: 2024-04-05. Review status: criteria provided, single submitter. Criteria: Invitae Variant Classification Sherloc (09022015). Collection method: clinical testing. Allele origin: germline.
Comment: This sequence change replaces serine, which is neutral and polar, with glycine, which is neutral and non-polar, at codon 56 of the WRN protein (p.Ser56Gly). This variant is present in population databases (no rsID available, gnomAD 0.01%). This variant has not been reported in the literature in individuals affected with WRN-related conditions. ClinVar contains an entry for this variant (Variation ID: 2037912). An algorithm developed to predict the effect of missense changes on protein structure and function (PolyPhen-2) suggests that this variant is likely to be disruptive. In summary, the available evidence is currently insufficient to determine the role of this variant in disease. Therefore, it has been classified as a Variant of Uncertain Significance.